The following is an entry in ClinVar:

NM_012463.4(ATP6V0A2):c.28A>G (p.Met10Val)

Genes: ATP6V0A2 (ATPase H+ transporting V0 subunit a2; plus strand), LOC130009117 (ATAC-STARR-seq lymphoblastoid silent region 5049; plus strand). Cytogenetic location: 12q24.31.
Variant type: single nucleotide variant.
Coding change: c.28A>G on transcript NM_012463.4 (MANE Select); coding-DNA position 28, A replaced by G.
Protein change: p.Met10Val; replaces methionine 10 with valine.
Molecular consequence: missense variant.
Genome position (GRCh38, 1-based): chr12:123,712,593, A>G. VCF-style: chr12-123712593-A-G. GRCh37 (hg19) VCF-style: chr12-124197140-A-G.
Other names: c.28A>G (NM_012463.3); short protein forms M10V.
Identifiers: ClinVar variation 1368713 (VCV001368713.7), dbSNP rs758214692, ClinGen allele CA6861456.

ClinVar aggregate classification (germline): Uncertain significance. Review status: criteria provided, multiple submitters, no conflicts (2 of 4 stars). 4 submissions from 4 submitters: Uncertain significance (4). Last evaluated 2024-09-25.

Conditions:
Inborn genetic diseases. Identifiers: MedGen C0950123, MeSH D030342.
Cutis laxa with osteodystrophy (ARCL2A). Also called: Autosomal recessive cutis laxa type 2A; Debré-Type Cutis Laxa; CUTIS LAXA WITH CONGENITAL DISORDER OF GLYCOSYLATION; CUTIS LAXA, AUTOSOMAL RECESSIVE, TYPE IIA; CUTIS LAXA WITH BONE DYSTROPHY; CUTIS LAXA WITH GROWTH AND DEVELOPMENTAL DELAY. Identifiers: Orphanet 357058, MedGen C0268355, MONDO:0018163, OMIM 219200. Disease mechanism: loss of function.
Wrinkly skin syndrome (WSS). Also called: Type of Gerodermia osteodysplastica. Identifiers: Orphanet 2834, MedGen C0406587, MONDO:0010208, OMIM 278250.
ALG9 congenital disorder of glycosylation (CDG1L). Also called: CONGENITAL DISORDER OF GLYCOSYLATION, TYPE Il; ALG9-CDG; CDG Il. Identifiers: Orphanet 79328, MedGen C2931006, MONDO:0012117, OMIM 608776.

Allele frequency attached by ClinVar (database versions not stated): gnomAD 0.00008 and 0.00009; TOPMed 0.00010.

Submissions (4):

GeneDx
Classification: Uncertain significance. Last evaluated: 2024-09-25. Review status: criteria provided, single submitter. Criteria: GeneDx Variant Classification Process June 2021. Collection method: clinical testing. Allele origin: germline.
Comment: Has not been previously published as pathogenic or benign to our knowledge; Not observed at significant frequency in large population cohorts (gnomAD); In silico analysis indicates that this missense variant does not alter protein structure/function

Labcorp Genetics (formerly Invitae), Labcorp
Classification: Uncertain significance for ALG9 congenital disorder of glycosylation. Last evaluated: 2022-10-24. Review status: criteria provided, single submitter. Criteria: Invitae Variant Classification Sherloc (09022015). Collection method: clinical testing. Allele origin: germline.
Comment: This sequence change replaces methionine, which is neutral and non-polar, with valine, which is neutral and non-polar, at codon 10 of the ATP6V0A2 protein (p.Met10Val). This variant is present in population databases (rs758214692, gnomAD 0.007%). This variant has not been reported in the literature in individuals affected with ATP6V0A2-related conditions. ClinVar contains an entry for this variant (Variation ID: 1368713). Advanced modeling of protein sequence and biophysical properties (such as structural, functional, and spatial information, amino acid conservation, physicochemical variation, residue mobility, and thermodynamic stability) performed at Invitae indicates that this missense variant is not expected to disrupt ATP6V0A2 protein function. In summary, the available evidence is currently insufficient to determine the role of this variant in disease. Therefore, it has been classified as a Variant of Uncertain Significance.

Ambry Genetics
Classification: Uncertain significance for Inborn genetic diseases. Last evaluated: 2022-08-04. Review status: criteria provided, single submitter. Criteria: Ambry Variant Classification Scheme 2023. Collection method: clinical testing. Allele origin: germline.

Fulgent Genetics
Classification: Uncertain significance for Cutis laxa with osteodystrophy; Wrinkly skin syndrome. Last evaluated: 2021-08-16. Review status: criteria provided, single submitter. Criteria: ACMG Guidelines, 2015. Collection method: clinical testing. Allele origin: unknown.